The following is an entry in ClinVar:

ClinVar aggregate classification (germline): Likely pathogenic (1 of 4 stars; one submission).

Conditions:
Lymphatic malformation 6 (LMPHM6). Also called: GENERALIZED LYMPHATIC DYSPLASIA OF FOTIOU; Lymphedema, hereditary, III; PIEZO1-related generalized lymphatic dysplasia with non-immune hydrops fetalis. Identifiers: Orphanet 568062, MedGen C4225184, MONDO:0014797, OMIM 616843.

Submission:

Neuberg Centre For Genomic Medicine, NCGM
Classification: Likely pathogenic for Lymphatic malformation 6. Review status: criteria provided, single submitter. Criteria: ACMG Guidelines, 2015. Collection method: clinical testing. Allele origin: germline. Inheritance: Autosomal recessive inheritance. Affected: yes.
Comment: The frameshift c.813_823del p.Gln272ProfsTer8 variant in PIEZO1 gene has not been reported previously as a pathogenic variant nor as a benign variant, to our knowledge. The p.Gln272ProfsTer8 variant is absent in gnomAD exomes database. This variant has not been submitted to the ClinVar database. This variant causes a frameshift starting with codon Glutamine 272, changes this amino acid to Proline residue, and creates a premature Stop codon at position 8 of the new reading frame, denoted p.Gln272ProfsTer8. This variant is predicted to cause loss of normal protein function through protein truncation. Loss of function variants have been previously reported to be disease causing. For these reasons, this variant has been classified as Likely Pathogenic.

NM_001142864.4(PIEZO1):c.813_823del (p.Gln272fs)

Genes: HSALR1 (HSP90AB1 associated lncRNA 1; plus strand), PIEZO1 (piezo type mechanosensitive ion channel component 1 (Er blood group); minus strand). Cytogenetic location: 16q24.3.
Variant type: Deletion.
Coding change: c.813_823del on transcript NM_001142864.4 (MANE Select); coding-DNA positions 813 to 823, 11 bases deleted (ACAGGCTCTGC).
Protein change: p.Gln272fs; shifts the reading frame from glutamine 272.
Molecular consequence: frameshift variant. On other transcripts: non-coding transcript variant (1).
Genome position (GRCh38, 1-based): chr16:88,738,252-88,738,262, GCAGAGCCTGT deleted on the plus strand (ACAGGCTCTGC on the coding strand, the reverse complement: PIEZO1 is on the minus strand); deleting any 11 consecutive bases within chr16:88,738,252-88,738,264 gives the same sequence; the c. name uses the placement nearest the transcript's 3' end. VCF-style (leftmost placement, unchanged base first): chr16-88738251-AGCAGAGCCTGT-A. GRCh37 (hg19) VCF-style: chr16-88804659-AGCAGAGCCTGT-A.
Other names: short protein forms Q272fs.
Identifiers: ClinVar variation 3391363 (VCV003391363.1).